The following is an entry in ClinVar:

ClinVar aggregate classification (germline): Uncertain significance (1 of 4 stars; one submission).

gnomAD v4.1: 1 of 1,614,080 alleles (0.000062%); highest among the groups gnomAD compares: East Asian, 0.0022%; no homozygotes.

Submission:

GeneDx
Classification: Uncertain significance. Last evaluated: 2026-03-14. Review status: criteria provided, single submitter. Criteria: GeneDx Variant Classification Process June 2021. Collection method: clinical testing. Allele origin: germline.
Comment: Not observed at significant frequency in large population cohorts (gnomAD); In silico analysis suggests that this missense variant does not alter protein structure/function; Has not been previously published as pathogenic or benign to our knowledge

NM_001378452.1(ITPR1):c.3403A>G (p.Ile1135Val)

Gene: ITPR1 (inositol 1,4,5-trisphosphate receptor type 1; plus strand). Cytogenetic location: 3p26.1.
Variant type: single nucleotide variant.
Coding change: c.3403A>G on transcript NM_001378452.1 (MANE Select); coding-DNA position 3403, A replaced by G.
Protein change: p.Ile1135Val; replaces isoleucine 1135 with valine.
Molecular consequence: missense variant.
Genome position (GRCh38, 1-based): chr3:4,683,703, A>G. VCF-style: chr3-4683703-A-G. GRCh37 (hg19) VCF-style: chr3-4725387-A-G.
Other names: c.3376A>G, p.Ile1126Val (NM_001099952.4); c.3358A>G, p.Ile1120Val (NM_001168272.2); c.3331A>G, p.Ile1111Val (NM_002222.7); short protein forms I1135V, I1111V, I1120V, I1126V.
Identifiers: ClinVar variation 5009166 (VCV005009166.1).